The following is an entry in ClinVar:

ClinVar aggregate classification (germline): Uncertain significance (1 of 4 stars; one submission).

gnomAD v4.1: 1 of 1,609,594 alleles (0.000062%); highest among the groups gnomAD compares: Non-Finnish European, 0.000085%; no homozygotes.

Submission:

Labcorp Genetics (formerly Invitae), Labcorp
Classification: Uncertain significance. Last evaluated: 2024-10-23. Review status: criteria provided, single submitter. Criteria: Invitae Variant Classification Sherloc (09022015). Collection method: clinical testing. Allele origin: germline.
Comment: This sequence change replaces isoleucine, which is neutral and non-polar, with asparagine, which is neutral and polar, at codon 4473 of the ADGRV1 protein (p.Ile4473Asn). This variant is not present in population databases (gnomAD no frequency). This missense change has been observed in individual(s) with deafness (PMID: 37893031). Invitae Evidence Modeling of protein sequence and biophysical properties (such as structural, functional, and spatial information, amino acid conservation, physicochemical variation, residue mobility, and thermodynamic stability) indicates that this missense variant is not expected to disrupt ADGRV1 protein function with a negative predictive value of 95%. In summary, the available evidence is currently insufficient to determine the role of this variant in disease. Therefore, it has been classified as a Variant of Uncertain Significance.

Literature cited by the submitters: PubMed 37893031.

NM_032119.4(ADGRV1):c.13418T>A (p.Ile4473Asn)

Gene: ADGRV1 (adhesion G protein-coupled receptor V1; plus strand). Cytogenetic location: 5q14.3.
Variant type: single nucleotide variant.
Coding change: c.13418T>A on transcript NM_032119.4 (MANE Select); coding-DNA position 13418, T replaced by A.
Protein change: p.Ile4473Asn; replaces isoleucine 4473 with asparagine.
Molecular consequence: missense variant. On other transcripts: non-coding transcript variant (1).
Genome position (GRCh38, 1-based): chr5:90,783,310, T>A. VCF-style: chr5-90783310-T-A. GRCh37 (hg19) VCF-style: chr5-90079127-T-A.
Other names: short protein forms I4473N.
Identifiers: ClinVar variation 3676668 (VCV003676668.2).